The following is an entry in ClinVar:

ClinVar aggregate classification (germline): Pathogenic/Likely pathogenic. Review status: criteria provided, multiple submitters, no conflicts (2 of 4 stars). 3 submissions from 3 submitters: Pathogenic (1); Likely pathogenic (2). Last evaluated 2025-12-30.

Conditions:
Retinitis pigmentosa 80 (RP80). Identifiers: MedGen C4540439, MONDO:0054708, OMIM 617781.
Saldino-Mainzer syndrome (SRTD9). Also called: short-rib thoracic dysplasia 9 with or without polydactyly; CONORENAL SYNDROME; Renal dysplasia, retinal pigmentary dystrophy, cerebellar ataxia and skeletal dysplasia; SHORT-RIB THORACIC DYSPLASIA 9 WITHOUT POLYDACTYLY. Identifiers: Orphanet 140969, MedGen C1849437, MONDO:0009964, OMIM 266920.
IFT140-related disorder. Also called: IFT140-related condition.

Submissions (3):

Labcorp Genetics (formerly Invitae), Labcorp
Classification: Pathogenic for Saldino-Mainzer syndrome. Last evaluated: 2025-12-30. Review status: criteria provided, single submitter. Criteria: Invitae Variant Classification Sherloc (09022015). Collection method: clinical testing. Allele origin: germline.
Comment: This sequence change creates a premature translational stop signal (p.Thr103Serfs*74) in the IFT140 gene. It is expected to result in an absent or disrupted protein product. Loss-of-function variants in IFT140 are known to be pathogenic (PMID: 22503633, 23418020, 24009529, 26216056). This variant is present in population databases (no rsID available, gnomAD 0.003%). This variant has not been reported in the literature in individuals affected with IFT140-related conditions. For these reasons, this variant has been classified as Pathogenic.

Fulgent Genetics
Classification: Likely pathogenic for Saldino-Mainzer syndrome; Retinitis pigmentosa 80. Last evaluated: 2024-03-07. Review status: criteria provided, single submitter. Criteria: ACMG Guidelines, 2015. Collection method: clinical testing. Allele origin: germline.

PreventionGenetics, part of Exact Sciences
Classification: Likely pathogenic for IFT140-related condition. Last evaluated: 2023-09-15. Review status: criteria provided, single submitter. Criteria: ACMG Guidelines, 2015. Collection method: clinical testing. Allele origin: germline.
Comment: The IFT140 c.308_309delCA variant is predicted to result in a frameshift and premature protein termination (p.Thr103Serfs*74). Large study assessing carrier variants for retinitis pigmentosa in genomic databases assessed this variant as likely pathogenic (Table S3, Hanany et al. 2020. PubMed ID: 31964843). This variant is reported in 0.0029% of alleles in individuals of Latino descent in gnomAD. Frameshift variants in IFT140 are expected to be pathogenic. This variant is interpreted as likely pathogenic.

Literature cited by the submitters: PubMed 22503633 (cited by Labcorp Genetics (formerly Invitae), Labcorp); PubMed 23418020 (cited by Labcorp Genetics (formerly Invitae), Labcorp); PubMed 24009529 (cited by Labcorp Genetics (formerly Invitae), Labcorp); PubMed 26216056 (cited by Labcorp Genetics (formerly Invitae), Labcorp).

NM_014714.4(IFT140):c.308_309del (p.Thr103fs)

Genes: IFT140 (intraflagellar transport 140; minus strand), LOC105371046 (uncharacterized LOC105371046; plus strand). Cytogenetic location: 16p13.3.
Variant type: Microsatellite.
Coding change: c.308_309del on transcript NM_014714.4 (MANE Select); coding-DNA positions 308 to 309, 2 bases deleted (CA; older notation c.308_309delCA).
Protein change: p.Thr103fs; shifts the reading frame from threonine 103.
Molecular consequence: frameshift variant.
Genome position (GRCh38, 1-based): chr16:1,602,430-1,602,431, TG deleted on the plus strand (CA on the coding strand, the reverse complement: IFT140 is on the minus strand); deleting any 2 consecutive bases within chr16:1,602,430-1,602,438 gives the same sequence; the c. name uses the placement nearest the transcript's 3' end. VCF-style (leftmost placement, unchanged base first): chr16-1602429-CTG-C. GRCh37 (hg19) VCF-style: chr16-1652430-CTG-C.
Other names: short protein forms T103fs.
Identifiers: ClinVar variation 2630877 (VCV002630877.3), dbSNP rs1172857937, ClinGen allele CA620701276.
Genomic context (GRCh38, chr16:1,602,429, plus strand): 5'-CCCTGTCCCCAGACAGCAGGCAGTTTCCACTGGGGCTCCAACGGAGCACGGTGATGTCGG[CTG>C]TGTGTGTCAGGGGCATCGTGTGCTGCTCCTTGTCCTGCTTGTTAAACACCGTCACTTCTC-3'